The following is an entry in ClinVar:

ClinVar aggregate classification (germline): Uncertain significance (1 of 4 stars; one submission).

Conditions:
Inborn genetic diseases. Identifiers: MedGen C0950123, MeSH D030342.

Submission:

Ambry Genetics
Classification: Uncertain significance for Inborn genetic diseases. Last evaluated: 2026-01-06. Review status: criteria provided, single submitter. Criteria: Ambry Variant Classification Scheme 2023. Collection method: clinical testing. Allele origin: germline.
Comment: The p.P68L variant (also known as c.203C>T), located in coding exon 3 of the FANCG gene, results from a C to T substitution at nucleotide position 203. The proline at codon 68 is replaced by leucine, an amino acid with similar properties. This amino acid position is conserved. In addition, the in silico prediction for this alteration is inconclusive. Based on the available evidence, the clinical significance of this variant remains unclear.

NM_004629.2(FANCG):c.203C>T (p.Pro68Leu)

Gene: FANCG (FA complementation group G; minus strand). Cytogenetic location: 9p13.3.
Variant type: single nucleotide variant.
Coding change: c.203C>T on transcript NM_004629.2 (MANE Select); coding-DNA position 203, C replaced by T.
Protein change: p.Pro68Leu; replaces proline 68 with leucine.
Molecular consequence: missense variant.
Genome position (GRCh38, 1-based): chr9:35,078,709, G>A on the plus strand (C>T on the coding strand, the complement: FANCG is on the minus strand). VCF-style: chr9-35078709-G-A. GRCh37 (hg19) VCF-style: chr9-35078706-G-A.
Other names: short protein forms P68L.
Identifiers: ClinVar variation 4841409 (VCV004841409.1).